The following is an entry in ClinVar:

NM_001368882.1(COL13A1):c.2023G>A (p.Gly675Ser)

Gene: COL13A1 (collagen type XIII alpha 1 chain; plus strand). Cytogenetic location: 10q22.1.
Variant type: single nucleotide variant.
Coding change: c.2023G>A on transcript NM_001368882.1 (MANE Select); coding-DNA position 2023, G replaced by A.
Protein change: p.Gly675Ser; replaces glycine 675 with serine.
Molecular consequence: missense variant.
Genome position (GRCh38, 1-based): chr10:69,947,307, G>A. VCF-style: chr10-69947307-G-A. GRCh37 (hg19) VCF-style: chr10-71707063-G-A.
Other names: c.1990G>A, p.Gly664Ser (NM_001130103.2); c.1879G>A, p.Gly627Ser (NM_001320951.2); c.1900G>A, p.Gly634Ser (NM_001368883.1); c.1837G>A, p.Gly613Ser (NM_001368884.1); c.1801G>A, p.Gly601Ser (NM_001368885.1); c.1279G>A, p.Gly427Ser (NM_001368886.1); c.1810G>A, p.Gly604Ser (NM_001368895.1); c.1732G>A, p.Gly578Ser (NM_001368896.1); and 7 more; short protein forms G664S, G427S, G578S, G586S, G601S, G615S, G642S, G595S.
Identifiers: ClinVar variation 391608 (VCV000391608.4), dbSNP rs750013562, ClinGen allele CA5535066.

ClinVar aggregate classification (germline): Uncertain significance. Review status: criteria provided, multiple submitters, no conflicts (2 of 4 stars). 2 submissions from 2 submitters: Uncertain significance (2). Last evaluated 2023-06-28.

Conditions:
Inborn genetic diseases. Identifiers: MedGen C0950123, MeSH D030342.

Allele frequency attached by ClinVar (database versions not stated): TOPMed below 0.00001; ExAC 0.00001; gnomAD exomes 0.00001.

Submissions (2):

Ambry Genetics
Classification: Uncertain significance for Inborn genetic diseases. Last evaluated: 2023-06-28. Review status: criteria provided, single submitter. Criteria: Ambry Variant Classification Scheme 2023. Collection method: clinical testing. Allele origin: germline.

GeneDx
Classification: Uncertain significance. Last evaluated: 2016-12-29. Review status: criteria provided, single submitter. Criteria: GeneDx Variant Classification (06012015). Collection method: clinical testing. Allele origin: germline. Affected: yes.
Comment: The G664S variant in the COL13A1 gene has not been reported previously as a pathogenic variant, nor as a benign variant, to our knowledge. The G664S variant was not observed in approximately 6100 individuals of European and African American ancestry in the NHLBI Exome Sequencing Project, indicating it is not a common benign variant in these populations. The G664S variant is a non-conservative amino acid substitution, which is likely to impact secondary protein structure as these residues differ in polarity, charge, size and/or other properties. This substitution occurs at a position within the COL3 triple helical region 3 that is conserved across species. In silico analysis predicts this variant is probably damaging to the protein structure/function. We interpret G664S as a variant of uncertain significance.